The following is an entry in ClinVar:

NM_001003694.2(BRPF1):c.56C>G (p.Pro19Arg)

Gene: BRPF1 (bromodomain and PHD finger containing 1; plus strand). Cytogenetic location: 3p25.3.
Variant type: single nucleotide variant.
Coding change: c.56C>G on transcript NM_001003694.2 (MANE Select); coding-DNA position 56, C replaced by G.
Protein change: p.Pro19Arg; replaces proline 19 with arginine.
Molecular consequence: missense variant. On other transcripts: non-coding transcript variant (1).
Genome position (GRCh38, 1-based): chr3:9,734,196, C>G. VCF-style: chr3-9734196-C-G. GRCh37 (hg19) VCF-style: chr3-9775880-C-G.
Other names: c.56C>G, p.Pro19Arg (NM_004634.3, NM_001319049.2, NM_001319050.2 and 7 more transcripts); short protein forms P19R.
Identifiers: ClinVar variation 4530922 (VCV004530922.1).
Genomic context (GRCh38, chr3:9,734,196, plus strand): 5'-ACAGCATGGGGGTGGACTTTGATGTGAAGACTTTCTGCCACAACTTGCGGGCGACTAAGC[C>G]ACCATACGAGTGCCCGGTGGAGACCTGCCGAAAGGTCTACAAGAGTTACAGTGGTATTGA-3'
Protein context (NP_001003694.1, residues 9-29): TFCHNLRATK[Pro19Arg]PYECPVETCR

ClinVar aggregate classification (germline): Uncertain significance (1 of 4 stars; one submission).

gnomAD v4.1: 1 of 1,613,364 alleles (0.000062%); no homozygotes.

Submission:

GeneDx
Classification: Uncertain significance. Last evaluated: 2025-05-22. Review status: criteria provided, single submitter. Criteria: GeneDx Variant Classification Process June 2021. Collection method: clinical testing. Allele origin: germline. Affected: yes.
Comment: Not observed at significant frequency in large population cohorts (gnomAD); In silico analysis supports that this missense variant has a deleterious effect on protein structure/function; Has not been previously published as pathogenic or benign to our knowledge